The following is an entry in ClinVar:

NM_006939.4(SOS2):c.2316T>G (p.Phe772Leu)

Gene: SOS2 (SOS Ras/Rho guanine nucleotide exchange factor 2; minus strand). Cytogenetic location: 14q21.3.
Variant type: single nucleotide variant.
Coding change: c.2316T>G on transcript NM_006939.4 (MANE Select); coding-DNA position 2316, T replaced by G.
Protein change: p.Phe772Leu; replaces phenylalanine 772 with leucine.
Molecular consequence: missense variant.
Genome position (GRCh38, 1-based): chr14:50,150,076, A>C on the plus strand (T>G on the coding strand, the complement: SOS2 is on the minus strand). VCF-style: chr14-50150076-A-C. GRCh37 (hg19) VCF-style: chr14-50616794-A-C.
Other names: short protein forms F772L.
Identifiers: ClinVar variation 1372000 (VCV001372000.6), dbSNP rs2139594970, ClinGen allele CA389643725.

ClinVar aggregate classification (germline): Uncertain significance (1 of 4 stars; one submission).

Conditions:
Noonan syndrome 9 (NS9). Identifiers: Orphanet 648, MedGen C4225282, MONDO:0014691, OMIM 616559.

Submission:

Labcorp Genetics (formerly Invitae), Labcorp
Classification: Uncertain significance for Noonan syndrome 9. Last evaluated: 2025-11-26. Review status: criteria provided, single submitter. Criteria: Invitae Variant Classification Sherloc (09022015). Collection method: clinical testing. Allele origin: germline.
Comment: This sequence change replaces phenylalanine, which is neutral and non-polar, with leucine, which is neutral and non-polar, at codon 772 of the SOS2 protein (p.Phe772Leu). This variant is not present in population databases (gnomAD no frequency). This variant has not been reported in the literature in individuals affected with SOS2-related conditions. ClinVar contains an entry for this variant (Variation ID: 1372000). Invitae Evidence Modeling of protein sequence and biophysical properties (such as structural, functional, and spatial information, amino acid conservation, physicochemical variation, residue mobility, and thermodynamic stability) indicates that this missense variant is not expected to disrupt SOS2 protein function with a negative predictive value of 95%. In summary, the available evidence is currently insufficient to determine the role of this variant in disease. Therefore, it has been classified as a Variant of Uncertain Significance.